The following is an entry in ClinVar:

NM_000191.3(HMGCL):c.498-10C>A

Gene: HMGCL (3-hydroxy-3-methylglutaryl-CoA lyase; minus strand). Cytogenetic location: 1p36.11.
Variant type: single nucleotide variant.
Coding change: c.498-10C>A on transcript NM_000191.3 (MANE Select); 10 bases into the intron before coding-DNA position 498, C replaced by A.
Molecular consequence: intron variant.
Genome position (GRCh38, 1-based): chr1:23,810,809, G>T on the plus strand (C>A on the coding strand, the complement: HMGCL is on the minus strand). VCF-style: chr1-23810809-G-T. GRCh37 (hg19) VCF-style: chr1-24137299-G-T.
Other names: c.349-2486C>A (NM_001166059.2).
Identifiers: ClinVar variation 387964 (VCV000387964.11), dbSNP rs373505626, ClinGen allele CA686073.

ClinVar aggregate classification (germline): Likely benign. Review status: criteria provided, multiple submitters, no conflicts (2 of 4 stars). 5 submissions from 5 submitters: Likely benign (4). 1 of the submissions does not count toward it. Last evaluated 2025-11-22.

Conditions:
Deficiency of hydroxymethylglutaryl-CoA lyase (HMGCLD). Also called: HMGCL DEFICIENCY; HYDROXYMETHYLGLUTARIC ACIDURIA; Defect in leucine metabolism; 3-hydroxy-3-methylglutaric aciduria; HMG-CoA LYASE DEFICIENCY. Identifiers: Orphanet 20, MedGen C1533587, MONDO:0009520, OMIM 246450.
HMGCL-related disorder. Also called: HMGCL-related condition.

Allele frequency attached by ClinVar (database versions not stated): ExAC 0.00007; gnomAD 0.00008 and 0.00009; gnomAD exomes 0.00008 and 0.00021; TOPMed 0.00011; ESP Exome Variant Server 0.00023.
gnomAD v4.1: 311 of 1,612,244 alleles (0.019%); highest among the groups gnomAD compares: Non-Finnish European, 0.026%; 1 homozygote.

Submissions (6):

Labcorp Genetics (formerly Invitae), Labcorp
Classification: Likely benign for Deficiency of hydroxymethylglutaryl-CoA lyase. Last evaluated: 2025-11-22. Review status: criteria provided, single submitter. Criteria: Invitae Variant Classification Sherloc (09022015). Collection method: clinical testing. Allele origin: germline.

Blueprint Genetics
Classification: Likely benign. Last evaluated: 2024-08-28. Review status: criteria provided, single submitter. Criteria: ACMG Guidelines, 2015. Collection method: clinical testing. Allele origin: germline.

Genome-Nilou Lab
Classification: Likely benign for Deficiency of hydroxymethylglutaryl-CoA lyase. Last evaluated: 2023-04-11. Review status: criteria provided, single submitter. Criteria: ACMG Guidelines, 2015. Collection method: clinical testing. Allele origin: germline. Affected: no.

GeneDx
Classification: Likely benign. Last evaluated: 2016-08-03. Review status: criteria provided, single submitter. Criteria: GeneDx Variant Classification (06012015). Collection method: clinical testing. Allele origin: germline. Affected: yes.
Comment: This variant is considered likely benign or benign based on one or more of the following criteria: it is a conservative change, it occurs at a poorly conserved position in the protein, it is predicted to be benign by multiple in silico algorithms, and/or has population frequency not consistent with disease.

PreventionGenetics, part of Exact Sciences
Classification: Likely benign for HMGCL-related condition. Last evaluated: 2020-08-24. Review status: no assertion criteria provided. Collection method: clinical testing. Allele origin: germline. Not counted in ClinVar's aggregate classification.
Comment: This variant is classified as likely benign based on ACMG/AMP sequence variant interpretation guidelines (Richards et al. 2015 PMID: 25741868, with internal and published modifications).

Dr. Peter K. Rogan Lab, Western University
No classification provided (evidence only). Condition: Cervical cancer. Review status: no classification provided. Collection method: in vitro. Allele origin: not applicable. Functional consequence: skipped exon. Not counted in ClinVar's aggregate classification.